The following is an entry in ClinVar:

NM_000393.5(COL5A2):c.4241A>G (p.Asp1414Gly)

Gene: COL5A2 (collagen type V alpha 2 chain; minus strand). Cytogenetic location: 2q32.2.
Variant type: single nucleotide variant.
Coding change: c.4241A>G on transcript NM_000393.5 (MANE Select); coding-DNA position 4241, A replaced by G.
Protein change: p.Asp1414Gly; replaces aspartic acid 1414 with glycine.
Molecular consequence: missense variant.
Genome position (GRCh38, 1-based): chr2:189,035,028, T>C on the plus strand (A>G on the coding strand, the complement: COL5A2 is on the minus strand). VCF-style: chr2-189035028-T-C. GRCh37 (hg19) VCF-style: chr2-189899754-T-C.
Other names: short protein forms D1414G.
Identifiers: ClinVar variation 2576814 (VCV002576814.4), dbSNP rs1215560539, ClinGen allele CA349855022.
Genomic context (GRCh38, chr2:189,035,028, plus strand): 5'-TTGATATCTAAGTCATTTGCCCCTTTGAGAACCACAGCTTTTTTGAGGTTCTTAGCTTGA[T>C]CGTCCATGTATCCTACACTGTTTTTACAGATGTAAGTGATGTTCTGGGAGGCTTCTTTTG-3'
Protein context (NP_000384.2, residues 1404-1424): ICKNSVGYMD[Asp1414Gly]QAKNLKKAVV

ClinVar aggregate classification (germline): Uncertain significance. Review status: criteria provided, multiple submitters, no conflicts (2 of 4 stars). 2 submissions from 2 submitters: Uncertain significance (2). Last evaluated 2023-02-24.

Conditions:
Ehlers-Danlos syndrome, classic type, 1 (EDSCL1). Also called: EHLERS-DANLOS SYNDROME, GRAVIS TYPE; EHLERS-DANLOS SYNDROME, SEVERE CLASSIC TYPE; Ehlers-Danlos syndrome, type 1; Ehlers-Danlos Syndrome, Classic Type, COL5A1-Related; EDS I. Identifiers: MedGen C0268335, MONDO:0019567, OMIM 130000.

Allele frequency attached by ClinVar (database versions not stated): TOPMed below 0.00001; gnomAD 0.00001; gnomAD exomes 0.00001.
gnomAD v4.1: 10 of 1,613,854 alleles (0.00062%); highest among the groups gnomAD compares: African/African-American, 0.0013%; no homozygotes.

Submissions (2):

Labcorp Genetics (formerly Invitae), Labcorp
Classification: Uncertain significance for Ehlers-Danlos syndrome, classic type, 1. Last evaluated: 2023-02-24. Review status: criteria provided, single submitter. Criteria: Invitae Variant Classification Sherloc (09022015). Collection method: clinical testing. Allele origin: germline.
Comment: In summary, the available evidence is currently insufficient to determine the role of this variant in disease. Therefore, it has been classified as a Variant of Uncertain Significance. Advanced modeling of protein sequence and biophysical properties (such as structural, functional, and spatial information, amino acid conservation, physicochemical variation, residue mobility, and thermodynamic stability) performed at Invitae indicates that this missense variant is not expected to disrupt COL5A2 protein function. This variant has not been reported in the literature in individuals affected with COL5A2-related conditions. This variant is present in population databases (no rsID available, gnomAD 0.007%). This sequence change replaces aspartic acid, which is acidic and polar, with glycine, which is neutral and non-polar, at codon 1414 of the COL5A2 protein (p.Asp1414Gly).

GeneDx
Classification: Uncertain significance. Last evaluated: 2023-02-14. Review status: criteria provided, single submitter. Criteria: GeneDx Variant Classification Process June 2021. Collection method: clinical testing. Allele origin: germline. Affected: yes.
Comment: Not observed at significant frequency in large population cohorts (gnomAD); Not located in the triple helical region, where the majority of pathogenic missense variants occur (Symoens et al., 2012; HGMD); In silico analysis supports that this missense variant does not alter protein structure/function; Has not been previously published as pathogenic or benign to our knowledge; This variant is associated with the following publications: (PMID: 22696272)